The following is an entry in ClinVar:

ClinVar aggregate classification (germline): Likely benign (1 of 4 stars; one submission).

Submission:

CeGaT Center for Human Genetics Tuebingen
Classification: Likely benign. Last evaluated: 2025-07-01. Review status: criteria provided, single submitter. Criteria: CeGaT Center For Human Genetics Tuebingen Variant Classification Criteria Version 2. Collection method: clinical testing. Allele origin: germline. Affected: yes. Observed: 2 variant alleles.
Comment: ARID1B: BS2

NM_001374828.1(ARID1B):c.20_21insAGCGGC (p.Ala14_Arg15insAlaAla)

Genes: ARID1B (AT-rich interaction domain 1B; plus strand), LOC115308161 (uncharacterized LOC115308161; minus strand), LOC129997522 (ATAC-STARR-seq lymphoblastoid silent region 17709; plus strand). Cytogenetic location: 6q25.3.
Variant type: Insertion.
Coding change: c.20_21insAGCGGC on transcript NM_001374828.1 (MANE Select); coding-DNA positions 20 to 21, AGCGGC inserted.
Protein change: p.Ala14_Arg15insAlaAla.
Molecular consequence: inframe insertion.
Genome position: GRCh38 VCF-style: chr6-156777698-A-AGCAGCG. GRCh37 (hg19) VCF-style: chr6-157098832-A-AGCAGCG.
Other names: c.20_21insAGCGGC, p.Ala14_Arg15insAlaAla (NM_001371656.1, NM_001374820.1, NM_017519.3).
Identifiers: ClinVar variation 3341915 (VCV003341915.16).